The following is an entry in ClinVar:

ClinVar aggregate classification (germline): Pathogenic (1 of 4 stars; one submission).

Conditions:
Ehlers-Danlos syndrome, dermatosparaxis type. Also called: EDS VIIC; Dermatosparaxis; Ehlers-Danlos syndrome, type VII, autosomal recessive. Identifiers: Orphanet 1901, MedGen C2700425, MONDO:0009161, OMIM 225410.

Submission:

Myriad Genetics, Inc.
Classification: Pathogenic for Ehlers-Danlos syndrome, dermatosparaxis type. Last evaluated: 2024-05-14. Review status: criteria provided, single submitter. Criteria: Myriad Autosomal Dominant, Autosomal Recessive and X-Linked Classification Criteria (2023). Collection method: clinical testing. Allele origin: unknown.
Comment: NM_014244.4(ADAMTS2):c.74_75insT(P26Afs*40) is expected to be pathogenic in the context of Ehlers-Danlos syndrome, ADAMTS2-related. This variant is predicted to lead to an abnormal or absent protein product due to the creation of a premature termination codon in ADAMTS2, a gene where loss-of-function variants are known to be pathogenic. Please note: this variant was assessed in the context of healthy population screening.

NM_014244.5(ADAMTS2):c.74_75insT (p.Pro26fs)

Gene: ADAMTS2 (ADAM metallopeptidase with thrombospondin type 1 motif 2; minus strand). Cytogenetic location: 5q35.3.
Variant type: Insertion.
Coding change: c.74_75insT on transcript NM_014244.5 (MANE Select); coding-DNA positions 74 to 75, T inserted.
Protein change: p.Pro26fs; shifts the reading frame from proline 26.
Molecular consequence: frameshift variant.
Genome position: GRCh38 VCF-style: chr5-179345254-C-CA. GRCh37 (hg19) VCF-style: chr5-178772255-C-CA.
Other names: c.74_75insT, p.Pro26fs (NM_021599.4); short protein forms P26fs.
Identifiers: ClinVar variation 5016395 (VCV005016395.1).